The following is an entry in ClinVar:

NM_145068.4(TRPV3):c.1946A>G (p.Lys649Arg)

Gene: TRPV3 (transient receptor potential cation channel subfamily V member 3; minus strand). Cytogenetic location: 17p13.2.
Variant type: single nucleotide variant.
Coding change: c.1946A>G on transcript NM_145068.4 (MANE Select); coding-DNA position 1946, A replaced by G.
Protein change: p.Lys649Arg; replaces lysine 649 with arginine.
Molecular consequence: missense variant.
Genome position (GRCh38, 1-based): chr17:3,518,715, T>C on the plus strand (A>G on the coding strand, the complement: TRPV3 is on the minus strand). VCF-style: chr17-3518715-T-C. GRCh37 (hg19) VCF-style: chr17-3422009-T-C.
Other names: c.1946A>G, p.Lys649Arg (NM_001258205.2); short protein forms K649R.
Identifiers: ClinVar variation 4821979 (VCV004821979.4).

ClinVar aggregate classification (germline): Likely benign (1 of 4 stars; one submission).

gnomAD v4.1: 238 of 1,612,896 alleles (0.015%); highest among the groups gnomAD compares: Non-Finnish European, 0.019%; no homozygotes.

Submission:

CeGaT Center for Human Genetics Tuebingen
Classification: Likely benign. Last evaluated: 2026-03-01. Review status: criteria provided, single submitter. Criteria: CeGaT Center For Human Genetics Tuebingen Variant Classification Criteria Version 2. Collection method: clinical testing. Allele origin: germline. Affected: yes. Observed: 1 variant allele.
Comment: TRPV3: PP3, BS1